The following is an entry in ClinVar:

NM_004006.3(DMD):c.6982A>G (p.Lys2328Glu)

Gene: DMD (dystrophin; minus strand). Cytogenetic location: Xp21.1.
Variant type: single nucleotide variant.
Coding change: c.6982A>G on transcript NM_004006.3 (MANE Select); coding-DNA position 6982, A replaced by G.
Protein change: p.Lys2328Glu; replaces lysine 2328 with glutamic acid.
Molecular consequence: missense variant. On other transcripts: 5 prime UTR variant (5).
Genome position (GRCh38, 1-based): chrX:31,875,304, T>C on the plus strand (A>G on the coding strand, the complement: DMD is on the minus strand). VCF-style: chrX-31875304-T-C. GRCh37 (hg19) VCF-style: chrX-31893421-T-C.
Other names: c.6958A>G, p.Lys2320Glu (NM_000109.4); c.6970A>G, p.Lys2324Glu (NM_004009.3); c.6613A>G, p.Lys2205Glu (NM_004010.3); c.2959A>G, p.Lys987Glu (NM_004011.4); c.2950A>G, p.Lys984Glu (NM_004012.4); c.-399A>G (NM_004013.3, NM_004020.4, NM_004021.3 and 2 more transcripts); short protein forms K2320E, K984E, K2205E, K2324E, K987E, K2328E.
Identifiers: ClinVar variation 2167242 (VCV002167242.6), dbSNP rs754896795, ClinGen allele CA10378362.
Genomic context (GRCh38, chrX:31,875,304, plus strand): 5'-TAATAGGAGATAACCACAGCAGCAGATGATTTAACTGCTCTTCAAGGTCTTCAAGCTTTT[T>C]TTCAAGCTGCCCAAGGTCTTTTATTTGAGCTTCAATTTCTCCTTGTTTCTCAGGTAAAGC-3'
Protein context (NP_003997.2, residues 2318-2338): AQIKDLGQLE[Lys2328Glu]KLEDLEEQLN

ClinVar aggregate classification (germline): Uncertain significance. Review status: criteria provided, multiple submitters, no conflicts (2 of 4 stars). 2 submissions from 2 submitters: Uncertain significance (2). Last evaluated 2023-01-03.

Conditions:
Cardiovascular phenotype. Identifiers: MedGen CN230736.
Duchenne muscular dystrophy (DMD). Also called: MUSCULAR DYSTROPHY, PSEUDOHYPERTROPHIC PROGRESSIVE, DUCHENNE TYPE; Duchenne Muscular Dystrophy (DMD). Identifiers: Orphanet 98896, MedGen C0013264, MONDO:0010679, OMIM 310200.

Allele frequency attached by ClinVar (database versions not stated): gnomAD exomes below 0.00001; ExAC 0.00001; gnomAD 0.00001; TOPMed 0.00001.
gnomAD v4.1: 3 of 1,207,720 alleles (0.00025%); highest among the groups gnomAD compares: African/African-American, 0.0035%; no homozygotes.

Submissions (2):

Ambry Genetics
Classification: Uncertain significance for Cardiovascular phenotype. Last evaluated: 2023-01-03. Review status: criteria provided, single submitter. Criteria: Ambry Variant Classification Scheme 2023. Collection method: clinical testing. Allele origin: germline.
Comment: The p.K2328E variant (also known as c.6982A>G), located in coding exon 48 of the DMD gene, results from an A to G substitution at nucleotide position 6982. The lysine at codon 2328 is replaced by glutamic acid, an amino acid with similar properties. Based on data from gnomAD, the G allele has an overall frequency of <0.01% (2/179398) total alleles studied, with 1 hemizygote(s) observed. The highest observed frequency was <0.01% (2/12999) of African alleles. This amino acid position is highly conserved in available vertebrate species. In addition, this alteration is predicted to be tolerated by in silico analysis. Since supporting evidence is limited at this time, the clinical significance of this alteration remains unclear.

Labcorp Genetics (formerly Invitae), Labcorp
Classification: Uncertain significance for Duchenne muscular dystrophy. Last evaluated: 2022-03-31. Review status: criteria provided, single submitter. Criteria: Invitae Variant Classification Sherloc (09022015). Collection method: clinical testing. Allele origin: germline.
Comment: Algorithms developed to predict the effect of missense changes on protein structure and function are either unavailable or do not agree on the potential impact of this missense change (SIFT: "Deleterious"; PolyPhen-2: "Benign"; Align-GVGD: "Class C0"). In summary, the available evidence is currently insufficient to determine the role of this variant in disease. Therefore, it has been classified as a Variant of Uncertain Significance. This variant has not been reported in the literature in individuals affected with DMD-related conditions. The frequency data for this variant in the population databases is considered unreliable, as metrics indicate poor data quality at this position in the gnomAD database. This sequence change replaces lysine, which is basic and polar, with glutamic acid, which is acidic and polar, at codon 2328 of the DMD protein (p.Lys2328Glu).